The following is an entry in ClinVar:

ClinVar aggregate classification (germline): Uncertain significance. Review status: criteria provided, multiple submitters, no conflicts (2 of 4 stars). 2 submissions from 2 submitters: Uncertain significance (2). Last evaluated 2025-03-05.

Conditions:
Pseudohypoaldosteronism type 2C (PHA2C). Also called: Pseudohypoaldosteronism Type IIC. Identifiers: Orphanet 757, Orphanet 88940, MedGen C1840391, MONDO:0013778, OMIM 614492.
Neuropathy, hereditary sensory and autonomic, type 2A (HSAN2A). Also called: ACROOSTEOLYSIS, GIACCAI TYPE; ACROOSTEOLYSIS, NEUROGENIC; HSAN IIA; WNK1-Related HSAN2 (HSAN2A); MORVAN DISEASE; NEUROPATHY, CONGENITAL SENSORY. Identifiers: Orphanet 970, MedGen C2752089, MONDO:0024309, OMIM 201300.
WNK1-related disorder. Also called: WNK1-related condition.

Allele frequency attached by ClinVar (database versions not stated): ExAC 0.00001; gnomAD 0.00003.
gnomAD v4.1: 25 of 1,613,996 alleles (0.0015%); highest among the groups gnomAD compares: African/African-American, 0.012%; no homozygotes.

Submissions (2):

PreventionGenetics, part of Exact Sciences
Classification: Uncertain significance for WNK1-related condition. Last evaluated: 2025-03-05. Review status: criteria provided, single submitter. Criteria: ACMG Guidelines, 2015. Collection method: clinical testing. Allele origin: germline.
Comment: The WNK1 c.1811A>G variant is predicted to result in the amino acid substitution p.Lys604Arg. To our knowledge, this variant has not been reported in the literature. This variant is reported in 0.016% of alleles in individuals of African descent in gnomAD. At this time, the clinical significance of this variant is uncertain due to the absence of conclusive functional and genetic evidence.

Labcorp Genetics (formerly Invitae), Labcorp
Classification: Uncertain significance for Neuropathy, hereditary sensory and autonomic, type 2A; Pseudohypoaldosteronism type 2C. Last evaluated: 2024-08-01. Review status: criteria provided, single submitter. Criteria: Invitae Variant Classification Sherloc (09022015). Collection method: clinical testing. Allele origin: germline.
Comment: This sequence change replaces lysine, which is basic and polar, with arginine, which is basic and polar, at codon 604 of the WNK1 protein (p.Lys604Arg). This variant is present in population databases (rs764368160, gnomAD 0.02%). This variant has not been reported in the literature in individuals affected with WNK1-related conditions. ClinVar contains an entry for this variant (Variation ID: 2060615). Advanced modeling of protein sequence and biophysical properties (such as structural, functional, and spatial information, amino acid conservation, physicochemical variation, residue mobility, and thermodynamic stability) performed at Invitae indicates that this missense variant is not expected to disrupt WNK1 protein function with a negative predictive value of 95%. In summary, the available evidence is currently insufficient to determine the role of this variant in disease. Therefore, it has been classified as a Variant of Uncertain Significance.

NM_018979.4(WNK1):c.1811A>G (p.Lys604Arg)

Gene: WNK1 (WNK lysine deficient protein kinase 1; plus strand). Cytogenetic location: 12p13.33.
Variant type: single nucleotide variant.
Coding change: c.1811A>G on transcript NM_018979.4 (MANE Select); coding-DNA position 1811, A replaced by G.
Protein change: p.Lys604Arg; replaces lysine 604 with arginine.
Molecular consequence: missense variant.
Genome position (GRCh38, 1-based): chr12:861,203, A>G. VCF-style: chr12-861203-A-G. GRCh37 (hg19) VCF-style: chr12-970369-A-G.
Other names: c.1811A>G, p.Lys604Arg (NM_213655.5, NM_001184985.2, NM_014823.3); c.1811A>G (NM_018979.3); short protein forms K604R.
Identifiers: ClinVar variation 2060615 (VCV002060615.5), dbSNP rs764368160, ClinGen allele CA6382035.